The following is an entry in ClinVar:

ClinVar aggregate classification (germline): Likely pathogenic (1 of 4 stars; one submission).

Conditions:
Autoimmune enteropathy and endocrinopathy - susceptibility to chronic infections syndrome. Also called: Immunodeficiency 31C, autosomal dominant; Immunodeficiency 31C. Identifiers: Orphanet 391487, MedGen C3279990, MONDO:0013599, OMIM 614162.

Submission:

Laboratory of Clinical Immunology, Infection and Allergy, Faculty of Medicine and Pharmacy of Casablanca, University of Hassan II Casablanca
Classification: Likely pathogenic for Autoimmune enteropathy and endocrinopathy - susceptibility to chronic infections syndrome. Last evaluated: 2026-08-11. Review status: criteria provided, single submitter. Criteria: ACMG Guidelines, 2015. Collection method: clinical testing. Allele origin: germline. Affected: yes. Observed: 1 variant allele.
Comment: This missense change replaces glutamic acid with lysine at position 545 of the STAT1 protein, within the linker domain. The variant is absent from population databases, including gnomAD (PM2). It has been reported previously in an individual with STAT1 gain-of-function disease (PMID:28214169) (PS4_Moderate). Computational tools predict a damaging effect (CADD 33.0) (PP3). Functional studies of this substitution have not been performed by our laboratory. In summary, on the basis of PS4_Moderate, PM2, PP3 and PP4, this variant is classified as Likely pathogenic.

Literature cited by the submitters: PubMed 28214169.

NM_007315.4(STAT1):c.1633G>A (p.Glu545Lys)

Gene: STAT1 (signal transducer and activator of transcription 1; minus strand). Cytogenetic location: 2q32.2.
Variant type: single nucleotide variant.
Coding change: c.1633G>A on transcript NM_007315.4 (MANE Select); coding-DNA position 1633, G replaced by A.
Protein change: p.Glu545Lys; replaces glutamic acid 545 with lysine.
Molecular consequence: missense variant.
Genome position (GRCh38, 1-based): chr2:190,979,866, C>T on the plus strand (G>A on the coding strand, the complement: STAT1 is on the minus strand). VCF-style: chr2-190979866-C-T. GRCh37 (hg19) VCF-style: chr2-191844592-C-T.
Other names: c.1633G>A, p.Glu545Lys (NM_139266.3, NM_001384886.1, NM_001384889.1 and 1 more transcripts); c.1573G>A, p.Glu525Lys (NM_001384880.1); c.1639G>A, p.Glu547Lys (NM_001384881.1, NM_001384884.1); c.1627G>A, p.Glu543Lys (NM_001384882.1); c.1534G>A, p.Glu512Lys (NM_001384883.1); c.1474G>A, p.Glu492Lys (NM_001384885.1); c.1540G>A, p.Glu514Lys (NM_001384887.1); c.1603G>A, p.Glu535Lys (NM_001384888.1); and 2 more; short protein forms E492K, E512K, E514K, E515K, E525K, E535K, E543K, E545K.
Identifiers: ClinVar variation 4884325 (VCV004884325.1).